The following is an entry in ClinVar:

ClinVar aggregate classification (germline): Uncertain significance (1 of 4 stars; one submission).

Conditions:
Developmental and epileptic encephalopathy, 30 (DEE30). Also called: Epileptic encephalopathy, early infantile, 30. Identifiers: MedGen C4225360, MONDO:0014595, OMIM 616341.

Submission:

Labcorp Genetics (formerly Invitae), Labcorp
Classification: Uncertain significance for Developmental and epileptic encephalopathy, 30. Last evaluated: 2022-06-28. Review status: criteria provided, single submitter. Criteria: Invitae Variant Classification Sherloc (09022015). Collection method: clinical testing. Allele origin: germline.
Comment: This sequence change replaces lysine, which is basic and polar, with glutamic acid, which is acidic and polar, at codon 346 of the SIK1 protein (p.Lys346Glu). In summary, the available evidence is currently insufficient to determine the role of this variant in disease. Therefore, it has been classified as a Variant of Uncertain Significance. Advanced modeling of protein sequence and biophysical properties (such as structural, functional, and spatial information, amino acid conservation, physicochemical variation, residue mobility, and thermodynamic stability) performed at Invitae indicates that this missense variant is not expected to disrupt SIK1 protein function. This variant has not been reported in the literature in individuals affected with SIK1-related conditions. This variant is not present in population databases (gnomAD no frequency).

NM_173354.5(SIK1):c.1036A>G (p.Lys346Glu)

Gene: SIK1 (salt inducible kinase 1; minus strand). Cytogenetic location: 21q22.3.
Variant type: single nucleotide variant.
Coding change: c.1036A>G on transcript NM_173354.5 (MANE Select); coding-DNA position 1036, A replaced by G.
Protein change: p.Lys346Glu; replaces lysine 346 with glutamic acid.
Molecular consequence: missense variant.
Genome position (GRCh38, 1-based): chr21:43,419,942, T>C on the plus strand (A>G on the coding strand, the complement: SIK1 is on the minus strand). VCF-style: chr21-43419942-T-C. GRCh37 (hg19) VCF-style: chr21-44839822-T-C.
Other names: short protein forms K346E.
Identifiers: ClinVar variation 1909965 (VCV001909965.5), dbSNP rs2516966463, ClinGen allele CA410608866.